The following is an entry in ClinVar:

ClinVar aggregate classification (germline): Uncertain significance (1 of 4 stars; one submission).

Conditions:
Charcot-Marie-Tooth disease type 2. Also called: Charcot-Marie-Tooth type 2. Identifiers: Orphanet 64746, MedGen C0270914, MONDO:0018993.

Submission:

Labcorp Genetics (formerly Invitae), Labcorp
Classification: Uncertain significance for Charcot-Marie-Tooth disease type 2. Last evaluated: 2019-11-20. Review status: criteria provided, single submitter. Criteria: Invitae Variant Classification Sherloc (09022015). Collection method: clinical testing. Allele origin: germline.
Comment: This sequence change replaces phenylalanine with isoleucine at codon 638 of the AARS protein (p.Phe638Ile). The phenylalanine residue is highly conserved and there is a small physicochemical difference between phenylalanine and isoleucine. In summary, the available evidence is currently insufficient to determine the role of this variant in disease. Therefore, it has been classified as a Variant of Uncertain Significance. Algorithms developed to predict the effect of missense changes on protein structure and function are either unavailable or do not agree on the potential impact of this missense change (SIFT: "Deleterious"; PolyPhen-2: "Possibly Damaging"; Align-GVGD: "Class C0"). This variant has not been reported in the literature in individuals with AARS-related conditions. This variant is not present in population databases (ExAC no frequency).

NM_001605.3(AARS1):c.1912T>A (p.Phe638Ile)

Gene: AARS1 (alanyl-tRNA synthetase 1; minus strand). Cytogenetic location: 16q22.1.
Variant type: single nucleotide variant.
Coding change: c.1912T>A on transcript NM_001605.3 (MANE Select); coding-DNA position 1912, T replaced by A.
Protein change: p.Phe638Ile; replaces phenylalanine 638 with isoleucine.
Molecular consequence: missense variant.
Genome position (GRCh38, 1-based): chr16:70,259,060, A>T on the plus strand (T>A on the coding strand, the complement: AARS1 is on the minus strand). VCF-style: chr16-70259060-A-T. GRCh37 (hg19) VCF-style: chr16-70292963-A-T.
Other names: short protein forms F638I.
Identifiers: ClinVar variation 853424 (VCV000853424.9), dbSNP rs1960068620, ClinGen allele CA396558061.